The following is an entry in ClinVar:

NM_001365951.3(KIF1B):c.3650G>A (p.Arg1217His)

Gene: KIF1B (kinesin family member 1B; plus strand). Cytogenetic location: 1p36.22.
Variant type: single nucleotide variant.
Coding change: c.3650G>A on transcript NM_001365951.3 (MANE Select); coding-DNA position 3650, G replaced by A.
Protein change: p.Arg1217His; replaces arginine 1217 with histidine.
Molecular consequence: missense variant.
Genome position (GRCh38, 1-based): chr1:10,343,249, G>A. VCF-style: chr1-10343249-G-A. GRCh37 (hg19) VCF-style: chr1-10403307-G-A.
Other names: c.3650G>A, p.Arg1217His (NM_001365952.1); c.3512G>A, p.Arg1171His (NM_015074.3); short protein forms R1171H, R1217H.
Identifiers: ClinVar variation 1018792 (VCV001018792.13), dbSNP rs1652465916, ClinGen allele CA338342091.

ClinVar aggregate classification (germline): Uncertain significance. Review status: criteria provided, multiple submitters, no conflicts (2 of 4 stars). 3 submissions from 3 submitters: Uncertain significance (3). Last evaluated 2024-02-13.

Conditions:
Charcot-Marie-Tooth disease type 2. Also called: Charcot-Marie-Tooth type 2. Identifiers: Orphanet 64746, MedGen C0270914, MONDO:0018993.
Charcot-Marie-Tooth disease type 2A1. Also called: CHARCOT-MARIE-TOOTH DISEASE, AXONAL, TYPE 2A1; CHARCOT-MARIE-TOOTH DISEASE, AXONAL, AUTOSOMAL DOMINANT, TYPE 2A1; CHARCOT-MARIE-TOOTH DISEASE, NEURONAL, TYPE 2A1; CHARCOT-MARIE-TOOTH NEUROPATHY, TYPE 2A1; HEREDITARY MOTOR AND SENSORY NEUROPATHY IIA1. Identifiers: Orphanet 99946, MedGen C1861678, MONDO:0007308, OMIM 118210.

Allele frequency attached by ClinVar (database versions not stated): gnomAD exomes below 0.00001.
gnomAD v4.1: 2 of 1,614,124 alleles (0.00012%); highest among the groups gnomAD compares: Admixed American, 0.0017%; no homozygotes.

Submissions (3):

Ambry Genetics
Classification: Uncertain significance. Last evaluated: 2024-02-13. Review status: criteria provided, single submitter. Criteria: Ambry Variant Classification Scheme 2023. Collection method: clinical testing. Allele origin: germline.
Comment: The p.R1171H variant (also known as c.3512G>A), located in coding exon 31 of the KIF1B gene, results from a G to A substitution at nucleotide position 3512. The arginine at codon 1171 is replaced by histidine, an amino acid with highly similar properties. This amino acid position is highly conserved in available vertebrate species. In addition, the in silico prediction for this alteration is inconclusive. Since supporting evidence is limited at this time, the clinical significance of this alteration remains unclear.

Labcorp Genetics (formerly Invitae), Labcorp
Classification: Uncertain significance for Charcot-Marie-Tooth disease type 2. Last evaluated: 2020-09-26. Review status: criteria provided, single submitter. Criteria: Invitae Variant Classification Sherloc (09022015). Collection method: clinical testing. Allele origin: germline.
Comment: Algorithms developed to predict the effect of missense changes on protein structure and function are either unavailable or do not agree on the potential impact of this missense change (SIFT: "Tolerated"; PolyPhen-2: "Probably Damaging"; Align-GVGD: "Class C0"). In summary, the available evidence is currently insufficient to determine the role of this variant in disease. Therefore, it has been classified as a Variant of Uncertain Significance. This variant has not been reported in the literature in individuals with KIF1B-related conditions. This variant is not present in population databases (ExAC no frequency). This sequence change replaces arginine with histidine at codon 1171 of the KIF1B protein (p.Arg1171His). The arginine residue is moderately conserved and there is a small physicochemical difference between arginine and histidine.

Revvity Omics, Revvity
Classification: Uncertain significance for Charcot-Marie-Tooth disease type 2A1. Last evaluated: 2019-04-04. Review status: criteria provided, single submitter. Criteria: ACMG Guidelines, 2015. Collection method: clinical testing. Allele origin: germline.

Literature cited by the submitters: PubMed 31130284 (cited by Ambry Genetics).